The following is an entry in ClinVar:

ClinVar aggregate classification (germline): Uncertain significance (1 of 4 stars; one submission).

Conditions:
Glycogen storage disease due to muscle and heart glycogen synthase deficiency. Also called: GSD 0b; MUSCLE GLYCOGEN SYNTHASE DEFICIENCY. Identifiers: Orphanet 137625, MedGen C1969054, MONDO:0012693, OMIM 611556.

Submission:

Labcorp Genetics (formerly Invitae), Labcorp
Classification: Uncertain significance for Glycogen storage disease due to muscle and heart glycogen synthase deficiency. Last evaluated: 2022-04-09. Review status: criteria provided, single submitter. Criteria: Invitae Variant Classification Sherloc (09022015). Collection method: clinical testing. Allele origin: germline.
Comment: In summary, the available evidence is currently insufficient to determine the role of this variant in disease. Therefore, it has been classified as a Variant of Uncertain Significance. This sequence change replaces asparagine, which is neutral and polar, with lysine, which is basic and polar, at codon 665 of the GYS1 protein (p.Asn665Lys). This variant is not present in population databases (gnomAD no frequency). This variant has not been reported in the literature in individuals affected with GYS1-related conditions. Algorithms developed to predict the effect of missense changes on protein structure and function (SIFT, PolyPhen-2, Align-GVGD) all suggest that this variant is likely to be tolerated.

NM_002103.5(GYS1):c.1995C>A (p.Asn665Lys)

Gene: GYS1 (glycogen synthase 1; minus strand). Cytogenetic location: 19q13.33.
Variant type: single nucleotide variant.
Coding change: c.1995C>A on transcript NM_002103.5 (MANE Select); coding-DNA position 1995, C replaced by A.
Protein change: p.Asn665Lys; replaces asparagine 665 with lysine.
Molecular consequence: missense variant. On other transcripts: non-coding transcript variant (1).
Genome position (GRCh38, 1-based): chr19:48,969,507, G>T on the plus strand (C>A on the coding strand, the complement: GYS1 is on the minus strand). VCF-style: chr19-48969507-G-T. GRCh37 (hg19) VCF-style: chr19-49472764-G-T.
Other names: c.1803C>A, p.Asn601Lys (NM_001161587.2); short protein forms N665K, N601K.
Identifiers: ClinVar variation 2123608 (VCV002123608.4), dbSNP rs201072036, ClinGen allele CA406759438.